The following is an entry in ClinVar:

ClinVar aggregate classification (germline): Uncertain significance (1 of 4 stars; one submission).

Conditions:
Anauxetic dysplasia. Identifiers: Orphanet 93347, MedGen C1846796, MONDO:0011773.

gnomAD v4.1: 8 of 697,184 alleles (0.0011%); highest among the groups gnomAD compares: Middle Eastern, 0.036%; no homozygotes.

Submission:

Labcorp Genetics (formerly Invitae), Labcorp
Classification: Uncertain significance for Anauxetic dysplasia. Last evaluated: 2024-10-06. Review status: criteria provided, single submitter. Criteria: Invitae Variant Classification Sherloc (09022015). Collection method: clinical testing. Allele origin: germline.
Comment: This variant occurs in the RMRP gene, which encodes an RNA molecule that does not result in a protein product. This variant is not present in population databases (gnomAD no frequency). This variant has not been reported in the literature in individuals affected with RMRP-related conditions. ClinVar contains an entry for this variant (Variation ID: 1909960). Experimental studies and prediction algorithms are not available or were not evaluated, and the functional significance of this variant is currently unknown. In summary, the available evidence is currently insufficient to determine the role of this variant in disease. Therefore, it has been classified as a Variant of Uncertain Significance.

NC_000009.12:g.35657894G>T

Gene: RMRP (RNA component of mitochondrial RNA processing endoribonuclease; minus strand). Cytogenetic location: 9p13.3.
Variant type: single nucleotide variant.
Genome position: GRCh38 VCF-style: chr9-35657894-G-T. GRCh37 (hg19) VCF-style: chr9-35657891-G-T.
Identifiers: ClinVar variation 1909960 (VCV001909960.4), dbSNP rs938089991, ClinGen allele CA464450750.